The following is an entry in ClinVar:

NM_053025.4(MYLK):c.2495G>A (p.Cys832Tyr)

Gene: MYLK (myosin light chain kinase; minus strand). Cytogenetic location: 3q21.1.
Variant type: single nucleotide variant.
Coding change: c.2495G>A on transcript NM_053025.4 (MANE Select); coding-DNA position 2495, G replaced by A.
Protein change: p.Cys832Tyr; replaces cysteine 832 with tyrosine.
Molecular consequence: missense variant.
Genome position (GRCh38, 1-based): chr3:123,700,973, C>T on the plus strand (G>A on the coding strand, the complement: MYLK is on the minus strand). VCF-style: chr3-123700973-C-T. GRCh37 (hg19) VCF-style: chr3-123419820-C-T.
Other names: c.1967G>A, p.Cys656Tyr (NM_001321309.2); c.2288G>A, p.Cys763Tyr (NM_053026.4, NM_053028.4); c.2495G>A, p.Cys832Tyr (NM_053027.4); short protein forms C832Y, C763Y, C656Y.
Identifiers: ClinVar variation 539088 (VCV000539088.3), dbSNP rs1553804523, ClinGen allele CA354232540.
Genomic context (GRCh38, chr3:123,700,973, plus strand): 5'-CCAGGCCTCAGGGACCCATAGCGGTCACTACCACCACCATCAGCACCAACTCCTCCACCA[C>T]AGAGGTCCTCGCAGCTGGCAGGCTCCCTCCCCCTGCAACCAGTGTAGGGAAAAAGGAAAG-3'
Protein context (NP_444253.3, residues 822-842): GREPASCEDL[Cys832Tyr]GGGVGADGGG

ClinVar aggregate classification (germline): Uncertain significance (1 of 4 stars; one submission).

Conditions:
Aortic aneurysm, familial thoracic 7 (AAT7). Also called: AORTIC DISSECTION, FAMILIAL, WITH OR WITHOUT AORTIC ANEURYSM. Identifiers: MedGen C3151077, MONDO:0013418, OMIM 613780.

Submission:

Labcorp Genetics (formerly Invitae), Labcorp
Classification: Uncertain significance for Aortic aneurysm, familial thoracic 7. Last evaluated: 2021-08-31. Review status: criteria provided, single submitter. Criteria: Invitae Variant Classification Sherloc (09022015). Collection method: clinical testing. Allele origin: germline.
Comment: This sequence change replaces cysteine with tyrosine at codon 832 of the MYLK protein (p.Cys832Tyr). The cysteine residue is highly conserved and there is a large physicochemical difference between cysteine and tyrosine. This variant is not present in population databases (ExAC no frequency). This variant has not been reported in the literature in individuals affected with MYLK-related conditions. Algorithms developed to predict the effect of missense changes on protein structure and function are either unavailable or do not agree on the potential impact of this missense change (SIFT: "Deleterious"; PolyPhen-2: "Benign"; Align-GVGD: "Class C65"). In summary, the available evidence is currently insufficient to determine the role of this variant in disease. Therefore, it has been classified as a Variant of Uncertain Significance.